The following is an entry in ClinVar:

NM_001148.6(ANK2):c.4565C>T (p.Thr1522Ile)

Gene: ANK2 (ankyrin 2; plus strand). Cytogenetic location: 4q26.
Variant type: single nucleotide variant.
Coding change: c.4565C>T on transcript NM_001148.6 (MANE Select); coding-DNA position 4565, C replaced by T.
Protein change: p.Thr1522Ile; replaces threonine 1522 with isoleucine.
Molecular consequence: missense variant. On other transcripts: intron variant (68).
Genome position (GRCh38, 1-based): chr4:113,353,183, C>T. VCF-style: chr4-113353183-C-T. GRCh37 (hg19) VCF-style: chr4-114274339-C-T.
Other names: c.4331C>T, p.Thr1444Ile (NM_001386142.1); c.965C>T, p.Thr322Ile (NM_001386166.1); c.4706C>T, p.Thr1569Ile (NM_001386174.1); c.4682C>T, p.Thr1561Ile (NM_001386175.1); c.4411+2934C>T (NM_001386186.2, NM_001386148.2); c.4213+2934C>T (NM_001354269.3); c.4291+2934C>T (NM_001386187.2); c.4252+2934C>T (NM_001386147.1); and 35 more; short protein forms T1561I, T1569I, T322I, T1444I, T1522I.
Identifiers: ClinVar variation 3539453 (VCV003539453.1).

ClinVar aggregate classification (germline): Uncertain significance (1 of 4 stars; one submission).

Conditions:
Cardiovascular phenotype. Identifiers: MedGen CN230736.

gnomAD v4.1: 4 of 1,614,034 alleles (0.00025%); highest among the groups gnomAD compares: South Asian, 0.0033%; no homozygotes.

Submission:

Ambry Genetics
Classification: Uncertain significance for Cardiovascular phenotype. Last evaluated: 2024-07-24. Review status: criteria provided, single submitter. Criteria: Ambry Variant Classification Scheme 2023. Collection method: clinical testing. Allele origin: germline.
Comment: The p.T1522I variant (also known as c.4565C>T), located in coding exon 38 of the ANK2 gene, results from a C to T substitution at nucleotide position 4565. The threonine at codon 1522 is replaced by isoleucine, an amino acid with similar properties. This amino acid position is conserved. In addition, the in silico prediction for this alteration is inconclusive. Based on the available evidence, the clinical significance of this variant remains unclear.